The following is an entry in ClinVar:

NM_018975.4(TERF2IP):c.1004C>A (p.Ala335Asp)

Gene: TERF2IP (TERF2 interacting protein; plus strand). Cytogenetic location: 16q23.1.
Variant type: single nucleotide variant.
Coding change: c.1004C>A on transcript NM_018975.4 (MANE Select); coding-DNA position 1004, C replaced by A.
Protein change: p.Ala335Asp; replaces alanine 335 with aspartic acid.
Molecular consequence: missense variant. On other transcripts: non-coding transcript variant (1).
Genome position (GRCh38, 1-based): chr16:75,656,415, C>A. VCF-style: chr16-75656415-C-A. GRCh37 (hg19) VCF-style: chr16-75690313-C-A.
Other names: short protein forms A335D.
Identifiers: ClinVar variation 1777964 (VCV001777964.3), dbSNP rs1374160022, ClinGen allele CA396820059.
Genomic context (GRCh38, chr16:75,656,415, plus strand): 5'-TTAAGATCATTCGGCAGTTAATGGAGAAGTTTAACTTGGATCTATCAACAGTTACACAGG[C>A]CTTCCTAAAAAATAGTGGTGAGCTGGAGGCTACTTCCGCCTTCTTAGCGTCTGGTCAGAG-3'
Protein context (NP_061848.2, residues 325-345): FNLDLSTVTQ[Ala335Asp]FLKNSGELEA

ClinVar aggregate classification (germline): Uncertain significance (1 of 4 stars; one submission).

Allele frequency attached by ClinVar (database versions not stated): gnomAD exomes below 0.00001.
gnomAD v4.1: 1 of 1,614,100 alleles (0.000062%); highest among the groups gnomAD compares: African/African-American, 0.0013%; no homozygotes.

Submission:

Ambry Genetics
Classification: Uncertain significance. Last evaluated: 2024-09-05. Review status: criteria provided, single submitter. Criteria: Ambry Variant Classification Scheme 2023. Collection method: clinical testing. Allele origin: germline.
Comment: The p.A335D variant (also known as c.1004C>A), located in coding exon 3 of the TERF2IP gene, results from a C to A substitution at nucleotide position 1004. The alanine at codon 335 is replaced by aspartic acid, an amino acid with dissimilar properties. This amino acid position is conserved. In addition, this alteration is predicted to be deleterious by in silico analysis. Since supporting evidence is limited at this time, the clinical significance of this alteration remains unclear.